The following is an entry in ClinVar:

ClinVar aggregate classification (germline): Benign/Likely benign. Review status: criteria provided, multiple submitters, no conflicts (2 of 4 stars). 5 submissions from 5 submitters: Benign (1); Likely benign (4). Last evaluated 2025-02-20.

Conditions:
Hereditary cancer-predisposing syndrome. Also called: Hereditary neoplastic syndrome; Hereditary Cancer Syndrome; Neoplastic Syndromes, Hereditary; Tumor predisposition. Identifiers: Orphanet 140162, MedGen C0027672, MeSH D009386, MONDO:0015356.
Breast-ovarian cancer, familial, susceptibility to, 4. Identifiers: Orphanet 145, MedGen C3280345, MONDO:0013669, OMIM 614291.

Submissions (5):

Myriad Genetics, Inc.
Classification: Benign for Breast-ovarian cancer, familial, susceptibility to, 4. Last evaluated: 2025-02-20. Review status: criteria provided, single submitter. Criteria: Myriad Autosomal Dominant, Autosomal Recessive and X-Linked Classification Criteria (2023). Collection method: clinical testing. Allele origin: unknown.
Comment: This variant is considered benign. This variant is a silent/synonymous amino acid change and it is not expected to impact splicing.

Labcorp Genetics (formerly Invitae), Labcorp
Classification: Likely benign for Breast-ovarian cancer, familial, susceptibility to, 4. Last evaluated: 2024-12-20. Review status: criteria provided, single submitter. Criteria: Invitae Variant Classification Sherloc (09022015). Collection method: clinical testing. Allele origin: germline.

Color Diagnostics, LLC DBA Color Health
Classification: Likely benign for Hereditary cancer-predisposing syndrome. Last evaluated: 2018-02-22. Review status: criteria provided, single submitter. Criteria: ACMG Guidelines, 2015. Collection method: clinical testing. Allele origin: germline.

Ambry Genetics
Classification: Likely benign for Hereditary cancer-predisposing syndrome. Last evaluated: 2017-10-18. Review status: criteria provided, single submitter. Criteria: Ambry Variant Classification Scheme 2023. Collection method: clinical testing. Allele origin: germline.

GeneDx
Classification: Likely benign. Last evaluated: 2017-04-03. Review status: criteria provided, single submitter. Criteria: GeneDx Variant Classification (06012015). Collection method: clinical testing. Allele origin: germline. Affected: yes.
Comment: This variant is considered likely benign or benign based on one or more of the following criteria: it is a conservative change, it occurs at a poorly conserved position in the protein, it is predicted to be benign by multiple in silico algorithms, and/or has population frequency not consistent with disease.

NM_002878.4(RAD51D):c.300A>C (p.Gly100=)

Genes: RAD51L3-RFFL (RAD51L3-RFFL readthrough; minus strand), RAD51D (RAD51 paralog D; minus strand). Cytogenetic location: 17q12.
Variant type: single nucleotide variant.
Coding change: c.300A>C on transcript NM_002878.4 (MANE Select); coding-DNA position 300, A replaced by C.
Protein change: p.Gly100=; no amino-acid change (glycine 100 retained).
Molecular consequence: synonymous variant. On other transcripts: non-coding transcript variant (2), intron variant (1).
Genome position (GRCh38, 1-based): chr17:35,107,411, T>G on the plus strand (A>C on the coding strand, the complement: RAD51D is on the minus strand). VCF-style: chr17-35107411-T-G. GRCh37 (hg19) VCF-style: chr17-33434430-T-G.
Other names: c.360A>C, p.Gly120= (NM_001142571.2); c.145-930A>C (NM_133629.3).
Identifiers: ClinVar variation 508507 (VCV000508507.19), dbSNP rs1555568499, ClinGen allele CA499731894.